The following is an entry in ClinVar:

NM_020812.4(DOCK6):c.2676T>C (p.Pro892=)

Gene: DOCK6 (dedicator of cytokinesis 6; minus strand). Cytogenetic location: 19p13.2.
Variant type: single nucleotide variant.
Coding change: c.2676T>C on transcript NM_020812.4 (MANE Select); coding-DNA position 2676, T replaced by C.
Protein change: p.Pro892=; no amino-acid change (proline 892 retained).
Molecular consequence: synonymous variant.
Genome position (GRCh38, 1-based): chr19:11,233,245, A>G on the plus strand (T>C on the coding strand, the complement: DOCK6 is on the minus strand). VCF-style: chr19-11233245-A-G. GRCh37 (hg19) VCF-style: chr19-11343921-A-G.
Other names: c.2676T>C, p.Pro892= (NM_001367830.1).
Identifiers: ClinVar variation 2153922 (VCV002153922.28), dbSNP rs776357747, ClinGen allele CA9207542.

ClinVar aggregate classification (germline): Likely benign. Review status: criteria provided, multiple submitters, no conflicts (2 of 4 stars). 2 submissions from 2 submitters: Likely benign (2). Last evaluated 2025-07-21.

Allele frequency attached by ClinVar (database versions not stated): ExAC 0.00002; gnomAD 0.00002; TOPMed 0.00002; gnomAD exomes 0.00003.
gnomAD v4.1: 51 of 1,613,744 alleles (0.0032%); highest among the groups gnomAD compares: Non-Finnish European, 0.0042%; no homozygotes.

Submissions (2):

Labcorp Genetics (formerly Invitae), Labcorp
Classification: Likely benign. Last evaluated: 2025-07-21. Review status: criteria provided, single submitter. Criteria: Invitae Variant Classification Sherloc (09022015). Collection method: clinical testing. Allele origin: germline.

CeGaT Center for Human Genetics Tuebingen
Classification: Likely benign. Last evaluated: 2022-12-01. Review status: criteria provided, single submitter. Criteria: CeGaT Center For Human Genetics Tuebingen Variant Classification Criteria Version 2. Collection method: clinical testing. Allele origin: germline. Affected: yes. Observed: 1 variant allele.
Comment: DOCK6: BP4, BP7